The following is an entry in ClinVar:

NM_001278116.2(L1CAM):c.2552C>T (p.Thr851Met)

Gene: L1CAM (L1 cell adhesion molecule; minus strand). Cytogenetic location: Xq28.
Variant type: single nucleotide variant.
Coding change: c.2552C>T on transcript NM_001278116.2 (MANE Select); coding-DNA position 2552, C replaced by T.
Protein change: p.Thr851Met; replaces threonine 851 with methionine.
Molecular consequence: missense variant.
Genome position (GRCh38, 1-based): chrX:153,865,496, G>A on the plus strand (C>T on the coding strand, the complement: L1CAM is on the minus strand). VCF-style: chrX-153865496-G-A. GRCh37 (hg19) VCF-style: chrX-153130951-G-A.
Other names: c.2552C>T, p.Thr851Met (NM_000425.5, NM_024003.3); c.2537C>T, p.Thr846Met (NM_001143963.2); short protein forms T851M, T846M.
Identifiers: ClinVar variation 587962 (VCV000587962.13), dbSNP rs782419777, ClinGen allele CA10554140.
Genomic context (GRCh38, chrX:153,865,496, plus strand): 5'-ACATGGTCTTTGTGGATATGTCTCTTGCTGTGCTTCCTCTGACTGCCCTCCCTCCAGTAC[G>A]TCACCTGCACAAGCGAACAGGAGACCTCGCAGGGGCAGAAGGCACCCAGCAGGGCCCCCA-3'
Protein context (NP_001265045.1, residues 841-861): VKGHLRGYNV[Thr851Met]YWREGSQRKH

ClinVar aggregate classification (germline): Conflicting classifications of pathogenicity. Review status: criteria provided, conflicting classifications (1 of 4 stars). 2 submissions from 2 submitters: Uncertain significance (1); Benign (1). Last evaluated 2024-12-31.

Conditions:
Inborn genetic diseases. Identifiers: MedGen C0950123, MeSH D030342.
Spastic paraplegia. Identifiers: MedGen C0037772, HP:0001258.

Allele frequency attached by ClinVar (database versions not stated): gnomAD exomes 0.00003 and 0.00011; gnomAD 0.00005 and 0.00006; TOPMed 0.00006; ExAC 0.00009.
gnomAD v4.1: 37 of 1,208,126 alleles (0.0031%); highest among the groups gnomAD compares: Admixed American, 0.063%; no homozygotes.

Submissions (2):

Labcorp Genetics (formerly Invitae), Labcorp
Classification: Benign for Spastic paraplegia. Last evaluated: 2024-12-31. Review status: criteria provided, single submitter. Criteria: Invitae Variant Classification Sherloc (09022015). Collection method: clinical testing. Allele origin: germline.

Ambry Genetics
Classification: Uncertain significance for Inborn genetic diseases. Last evaluated: 2016-03-11. Review status: criteria provided, single submitter. Criteria: Ambry Variant Classification Scheme 2023. Collection method: clinical testing. Allele origin: germline.
Comment: The p.T851M variant (also known as c.2552C>T), located in coding exon 20 of the L1CAM gene, results from a C to T substitution at nucleotide position 2552. The threonine at codon 851 is replaced by methionine, an amino acid with similar properties. This variant was not reported in population based cohorts in the following databases: Database of Single Nucleotide Polymorphisms (dbSNP), NHLBI Exome Sequencing Project (ESP), and 1000 Genomes Project. In the ESP, this variant was not observed in 6503 samples with coverage at this position. This amino acid position is well conserved in available vertebrate species. In addition, this alteration is predicted to be tolerated by in silico analysis. Since supporting evidence is limited at this time, the clinical significance of this alteration remains unclear.